The following is an entry in ClinVar:

NC_000016.9:g.(?_47694397)_(47695731_?)dup

Gene: PHKB (phosphorylase kinase regulatory subunit beta; plus strand). Cytogenetic location: 16q12.1.
Variant type: Duplication.
Identifiers: ClinVar variation 3243392 (VCV003243392.1).

ClinVar aggregate classification (germline): Likely pathogenic (1 of 4 stars; one submission).

Conditions:
Glycogen storage disease IXb (GSD9B). Also called: GLYCOGENOSIS OF LIVER AND MUSCLE, AUTOSOMAL RECESSIVE; GSD IXb; PHOSPHORYLASE KINASE DEFICIENCY OF LIVER AND MUSCLE, AUTOSOMAL RECESSIVE. Identifiers: Orphanet 79240, MedGen C0543514, MONDO:0009868, OMIM 261750.

Submission:

Labcorp Genetics (formerly Invitae), Labcorp
Classification: Likely pathogenic for Glycogen storage disease IXb. Last evaluated: 2023-05-24. Review status: criteria provided, single submitter. Criteria: Invitae Variant Classification Sherloc (09022015). Collection method: clinical testing. Allele origin: unknown.
Comment: This variant results in a copy number gain of the genomic region encompassing exon(s) 21-23 of the PHKB gene. While the exact position of this variant cannot be determined from the data, sub-genic copy number gains are generally in tandem (PMID: 25640679). This variant is predicted to be out-of-frame, and may result in an absent or disrupted protein product. Loss-of-function variants in PHKB are known to be pathogenic (PMID: 9215682, 9326319). This variant has not been reported in the literature in individuals affected with PHKB-related conditions. In summary, the currently available evidence indicates that the variant is pathogenic, but additional data are needed to prove that conclusively. Therefore, this variant has been classified as Likely Pathogenic.

Literature cited by the submitters: PubMed 25640679; PubMed 9215682; PubMed 9326319.